The following is an entry in ClinVar:

ClinVar aggregate classification (germline): Benign (0 of 4 stars; one submission).

Conditions:
FANCD2-related disorder. Also called: FANCD2-related condition.

Allele frequency attached by ClinVar (database versions not stated): ExAC 0.03479; ESP Exome Variant Server 0.17399.

Submissions (7):

PreventionGenetics, part of Exact Sciences
Classification: Benign for FANCD2-related condition. Last evaluated: 2019-04-25. Review status: no assertion criteria provided. Collection method: clinical testing. Allele origin: germline.
Comment: This variant is classified as benign based on ACMG/AMP sequence variant interpretation guidelines (Richards et al. 2015 PMID: 25741868, with internal and published modifications).

Dr. Peter K. Rogan Lab, Western University
No classification provided (evidence only). Condition: Cholangiocarcinoma. Review status: no classification provided. Collection method: in vitro. Allele origin: not applicable. Functional consequence: retained intron. Not counted in ClinVar's aggregate classification.

Dr. Peter K. Rogan Lab, Western University
No classification provided (evidence only). Condition: Malignant lymphoma, large B-cell, diffuse. Review status: no classification provided. Collection method: in vitro. Allele origin: not applicable. Functional consequence: retained intron. Not counted in ClinVar's aggregate classification.

Dr. Peter K. Rogan Lab, Western University
No classification provided (evidence only). Condition: Malignant lymphoma, large B-cell, diffuse. Review status: no classification provided. Collection method: in vitro. Allele origin: not applicable. Functional consequence: retained intron. Not counted in ClinVar's aggregate classification.

Dr. Peter K. Rogan Lab, Western University
No classification provided (evidence only). Condition: Malignant lymphoma, large B-cell, diffuse. Review status: no classification provided. Collection method: in vitro. Allele origin: not applicable. Functional consequence: retained intron. Not counted in ClinVar's aggregate classification.

Dr. Peter K. Rogan Lab, Western University
No classification provided (evidence only). Condition: Malignant lymphoma, large B-cell, diffuse. Review status: no classification provided. Collection method: in vitro. Allele origin: not applicable. Functional consequence: retained intron. Not counted in ClinVar's aggregate classification.

Dr. Peter K. Rogan Lab, Western University
No classification provided (evidence only). Condition: Malignant lymphoma, large B-cell, diffuse. Review status: no classification provided. Collection method: in vitro. Allele origin: not applicable. Functional consequence: skipped exon, retained intron. Not counted in ClinVar's aggregate classification.

NM_001018115.3(FANCD2):c.1278+1del

Genes: FANCD2 (FA complementation group D2; plus strand), LOC107303338 (3p25 FANCD2 Alu-mediated recombination region; plus strand). Cytogenetic location: 3p25.3.
Variant type: Deletion.
Coding change: c.1278+1del on transcript NM_001018115.3 (MANE Select); the canonical splice donor site of the intron after coding-DNA position 1278, one base deleted (G; older notation c.1278+1delG).
Molecular consequence: splice donor variant.
Genome position (GRCh38, 1-based): chr3:10,046,724, G deleted. VCF-style (leftmost placement, unchanged base first): chr3-10046723-AG-A. GRCh37 (hg19) VCF-style: chr3-10088407-AG-A.
Other names: NC_000003.11:g.10088408del; c.1278+1del (NM_001319984.2, NM_001374253.1, NM_033084.6 and 1 more transcripts).
Identifiers: ClinVar variation 3059927 (VCV003059927.3), dbSNP rs750338758, ClinGen allele CA2249568.